The following is an entry in ClinVar:

ClinVar aggregate classification (germline): Uncertain significance (1 of 4 stars; one submission).

Allele frequency attached by ClinVar (database versions not stated): gnomAD exomes below 0.00001; TOPMed below 0.00001.

Submission:

Labcorp Genetics (formerly Invitae), Labcorp
Classification: Uncertain significance. Last evaluated: 2021-02-28. Review status: criteria provided, single submitter. Criteria: Invitae Variant Classification Sherloc (09022015). Collection method: clinical testing. Allele origin: germline.
Comment: This variant has not been reported in the literature in individuals with LCT-related conditions. Algorithms developed to predict the effect of missense changes on protein structure and function are either unavailable or do not agree on the potential impact of this missense change (SIFT: "Not Available"; PolyPhen-2: "Possibly Damaging"; Align-GVGD: "Not Available"). In summary, the available evidence is currently insufficient to determine the role of this variant in disease. Therefore, it has been classified as a Variant of Uncertain Significance. This sequence change replaces isoleucine with threonine at codon 1392 of the LCT protein (p.Ile1392Thr). The isoleucine residue is weakly conserved and there is a moderate physicochemical difference between isoleucine and threonine. This variant is not present in population databases (ExAC no frequency).

NM_002299.4(LCT):c.4175T>C (p.Ile1392Thr)

Gene: LCT (lactase; minus strand). Cytogenetic location: 2q21.3.
Variant type: single nucleotide variant.
Coding change: c.4175T>C on transcript NM_002299.4 (MANE Select); coding-DNA position 4175, T replaced by C.
Protein change: p.Ile1392Thr; replaces isoleucine 1392 with threonine.
Molecular consequence: missense variant.
Genome position (GRCh38, 1-based): chr2:135,805,056, A>G on the plus strand (T>C on the coding strand, the complement: LCT is on the minus strand). VCF-style: chr2-135805056-A-G. GRCh37 (hg19) VCF-style: chr2-136562626-A-G.
Other names: short protein forms I1392T.
Identifiers: ClinVar variation 1372476 (VCV001372476.6), dbSNP rs2077658735, ClinGen allele CA348596733.